The following is an entry in ClinVar:

ClinVar aggregate classification (germline): Likely benign. Review status: criteria provided, multiple submitters, no conflicts (2 of 4 stars). 2 submissions from 2 submitters: Likely benign (2). Last evaluated 2024-03-08.

Allele frequency attached by ClinVar (database versions not stated): ExAC 0.00001; gnomAD 0.00001; TOPMed 0.00003.
gnomAD v4.1: 43 of 1,613,616 alleles (0.0027%); highest among the groups gnomAD compares: Middle Eastern, 0.033%; no homozygotes.

Submissions (2):

Labcorp Genetics (formerly Invitae), Labcorp
Classification: Likely benign. Last evaluated: 2024-03-08. Review status: criteria provided, single submitter. Criteria: Invitae Variant Classification Sherloc (09022015). Collection method: clinical testing. Allele origin: germline.

CeGaT Center for Human Genetics Tuebingen
Classification: Likely benign. Last evaluated: 2022-11-01. Review status: criteria provided, single submitter. Criteria: CeGaT Center For Human Genetics Tuebingen Variant Classification Criteria Version 2. Collection method: clinical testing. Allele origin: germline. Affected: yes. Observed: 1 variant allele.
Comment: LSS: BP4, BP7

NM_002340.6(LSS):c.1878C>T (p.Asp626=)

Gene: LSS (lanosterol synthase; minus strand). Cytogenetic location: 21q22.3.
Variant type: single nucleotide variant.
Coding change: c.1878C>T on transcript NM_002340.6 (MANE Select); coding-DNA position 1878, C replaced by T.
Protein change: p.Asp626=; no amino-acid change (aspartic acid 626 retained).
Molecular consequence: synonymous variant.
Genome position (GRCh38, 1-based): chr21:46,194,601, G>A on the plus strand (C>T on the coding strand, the complement: LSS is on the minus strand). VCF-style: chr21-46194601-G-A. GRCh37 (hg19) VCF-style: chr21-47614515-G-A.
Other names: c.1878C>T, p.Asp626= (NM_001001438.3); c.1845C>T, p.Asp615= (NM_001145436.2); c.1638C>T, p.Asp546= (NM_001145437.2).
Identifiers: ClinVar variation 2049091 (VCV002049091.28), dbSNP rs767292926, ClinGen allele CA10074817.
Genomic context (GRCh38, chr21:46,194,601, plus strand): 5'-CTGGGCACTCTGCAAATAACGCCGCTCCTCGCAGGACTCAAAGTCCTCCCCCCAGCCTCC[G>A]TCTGCCATCTGCCGGGACAGCAGGAAGTCACAGGCCCGGGAGACCTCTGCACAGGCAGTC-3'
Protein context (NP_002331.3, residues 616-636): CDFLLSRQMA[Asp626=]GGWGEDFESC